The following is an entry in ClinVar:

ClinVar aggregate classification (germline): Benign. Review status: criteria provided, multiple submitters, no conflicts (2 of 4 stars). 9 submissions from 9 submitters: Benign (8). 1 of the submissions does not count toward it. Last evaluated 2026-02-04.

Conditions:
Hyperornithinemia-hyperammonemia-homocitrullinuria syndrome (HHHS). Also called: Ornithine translocase deficiency; HHH SYNDROME. Identifiers: Orphanet 415, MedGen C0268540, MONDO:0009393, OMIM 238970.

Allele frequency attached by ClinVar (database versions not stated): 1000 Genomes Project 0.06290; ESP Exome Variant Server 0.09157; gnomAD 0.08344 and 0.08535; 1000 Genomes Project 30x 0.06418; gnomAD exomes 0.07651 and 0.08936; ExAC 0.07932; TOPMed 0.08631.

Submissions (9):

Labcorp Genetics (formerly Invitae), Labcorp
Classification: Benign for Hyperornithinemia-hyperammonemia-homocitrullinuria syndrome. Last evaluated: 2026-02-04. Review status: criteria provided, single submitter. Criteria: Invitae Variant Classification Sherloc (09022015). Collection method: clinical testing. Allele origin: germline.

Blueprint Genetics
Classification: Benign. Last evaluated: 2024-11-27. Review status: criteria provided, single submitter. Criteria: ACMG Guidelines, 2015. Collection method: clinical testing. Allele origin: germline.

ARUP Laboratories, Molecular Genetics and Genomics, ARUP Laboratories
Classification: Benign for Hyperornithinemia-hyperammonemia-homocitrullinuria syndrome. Last evaluated: 2023-11-29. Review status: criteria provided, single submitter. Criteria: ARUP Molecular Germline Variant Investigation Process 2024. Collection method: clinical testing. Allele origin: germline.

Genome-Nilou Lab
Classification: Benign for Hyperornithinemia-hyperammonemia-homocitrullinuria syndrome. Last evaluated: 2021-07-10. Review status: criteria provided, single submitter. Criteria: ACMG Guidelines, 2015. Collection method: clinical testing. Allele origin: germline. Affected: no.

Mayo Clinic Laboratories, Mayo Clinic
Classification: Benign. Last evaluated: 2021-02-24. Review status: criteria provided, single submitter. Criteria: ACMG Guidelines, 2015. Collection method: clinical testing. Allele origin: germline. Observed: 9 variant alleles.

Illumina Laboratory Services, Illumina
Classification: Benign for Hyperornithinemia-hyperammonemia-homocitrullinuria syndrome. Last evaluated: 2018-01-13. Review status: criteria provided, single submitter. Criteria: ICSL Variant Classification Criteria 13 December 2019. Collection method: clinical testing. Allele origin: germline.
Comment: This variant was observed in the ICSL laboratory as part of a predisposition screen in an ostensibly healthy population. It had not been previously curated by ICSL or reported in the Human Gene Mutation Database (HGMD: prior to June 1st, 2018), and was therefore a candidate for classification through an automated scoring system. Utilizing variant allele frequency, disease prevalence and penetrance estimates, and inheritance mode, an automated score was calculated to assess if this variant is too frequent to cause the disease. Based on the score and internal cut-off values, a variant classified as benign is not then subjected to further curation. The score for this variant resulted in a classification of benign for this disease.

GeneDx
Classification: Benign. Last evaluated: 2013-09-09. Review status: criteria provided, single submitter. Criteria: GeneDx Variant Classification (06012015). Collection method: clinical testing. Allele origin: germline. Affected: yes.
Comment: This variant is considered likely benign or benign based on one or more of the following criteria: it is a conservative change, it occurs at a poorly conserved position in the protein, it is predicted to be benign by multiple in silico algorithms, and/or has population frequency not consistent with disease.

Breakthrough Genomics
Classification: Benign. Review status: criteria provided, single submitter. Criteria: ACMG Guidelines, 2015. Collection method: not provided. Allele origin: germline. Inheritance: Autosomal recessive inheritance. Affected: yes.

Natera, Inc.
Classification: Benign for Hyperornithinemia-hyperammonemia-homocitrullinuria syndrome. Last evaluated: 2020-09-16. Review status: no assertion criteria provided. Collection method: clinical testing. Allele origin: germline. Not counted in ClinVar's aggregate classification.

NM_014252.4(SLC25A15):c.117G>A (p.Thr39=)

Gene: SLC25A15 (solute carrier family 25 member 15; plus strand). Cytogenetic location: 13q14.11.
Variant type: single nucleotide variant.
Coding change: c.117G>A on transcript NM_014252.4 (MANE Select); coding-DNA position 117, G replaced by A.
Protein change: p.Thr39=; no amino-acid change (threonine 39 retained).
Molecular consequence: synonymous variant. On other transcripts: non-coding transcript variant (2).
Genome position (GRCh38, 1-based): chr13:40,799,118, G>A. VCF-style: chr13-40799118-G-A. GRCh37 (hg19) VCF-style: chr13-41373254-G-A.
Other names: p.T39T:ACG>ACA; p.Thr39=.
Identifiers: ClinVar variation 139125 (VCV000139125.28), dbSNP rs41396747, ClinGen allele CA293502.